The following is an entry in ClinVar:

ClinVar aggregate classification (germline): Pathogenic (1 of 4 stars; one submission).

Conditions:
Mitochondrial DNA depletion syndrome, encephalomyopathic form with methylmalonic aciduria (MTDPS5). Also called: Mitochondrial encephalomyopathy aminoacidopathy; MITOCHONDRIAL DNA DEPLETION SYNDROME, ENCEPHALOMYOPATHIC FORM, WITH OR WITHOUT METHYLMALONIC ACIDURIA, AUTOSOMAL RECESSIVE, SUCLA2-RELATED; Mitochondrial DNA depletion syndrome 5 (encephalomyopathic with or without methylmalonic aciduria); SUCLA2-Related Mitochondrial DNA Depletion Syndrome, Encephalomyopathic Form with Methylmalonic Aciduria. Identifiers: Orphanet 1933, MedGen C5980207, MONDO:0012791, OMIM 612073.

Submission:

Labcorp Genetics (formerly Invitae), Labcorp
Classification: Pathogenic for Mitochondrial DNA depletion syndrome, encephalomyopathic form with methylmalonic aciduria. Last evaluated: 2022-12-21. Review status: criteria provided, single submitter. Criteria: Invitae Variant Classification Sherloc (09022015). Collection method: clinical testing. Allele origin: unknown.
Comment: A gross deletion of the genomic region encompassing the full coding sequence of the SUCLA2 gene has been identified. Loss-of-function variants in SUCLA2 are known to be pathogenic (PMID: 15877282, 17301081). The boundaries of this event are unknown as they extend beyond the assayed region for this gene and therefore may encompass additional genes. For these reasons, this variant has been classified as Pathogenic. Isolated whole-gene deletions of SUCLA2 have not been reported in the literature. However, larger copy number events that include this gene have been reported (PMID: 26475597).

Literature cited by the submitters: PubMed 15877282; PubMed 17301081; PubMed 26475597.

NC_000013.10:g.(?_48517506)_(48575405_?)del

Gene: SUCLA2 (succinate-CoA ligase ADP-forming subunit beta; minus strand). Cytogenetic location: 13q14.2.
Variant type: Deletion.
Identifiers: ClinVar variation 3244192 (VCV003244192.1).